The following is an entry in ClinVar:

NM_001035.3(RYR2):c.12014A>G (p.Glu4005Gly)

Gene: RYR2 (ryanodine receptor 2; plus strand). Cytogenetic location: 1q43.
Variant type: single nucleotide variant.
Coding change: c.12014A>G on transcript NM_001035.3 (MANE Select); coding-DNA position 12014, A replaced by G.
Protein change: p.Glu4005Gly; replaces glutamic acid 4005 with glycine.
Molecular consequence: missense variant.
Genome position (GRCh38, 1-based): chr1:237,783,726, A>G. VCF-style: chr1-237783726-A-G. GRCh37 (hg19) VCF-style: chr1-237947026-A-G.
Other names: short protein forms E4005G.
Identifiers: ClinVar variation 959601 (VCV000959601.11), dbSNP rs1695315832, ClinGen allele CA345411892.
Genomic context (GRCh38, chr1:237,783,726, plus strand): 5'-TACCACCAGGTAATGTTGTTAATGGAACGATTGGCAAACAGATGGTGGATATGCTTGTGG[A>G]ATCTTCCAACAACGTGGAGATGATTCTCAAATTTTTTGACATGTTCTTAAAACTAAAGGA-3'
Protein context (NP_001026.2, residues 3995-4015): IGKQMVDMLV[Glu4005Gly]SSNNVEMILK

ClinVar aggregate classification (germline): Uncertain significance (1 of 4 stars; one submission).

Conditions:
Catecholaminergic polymorphic ventricular tachycardia 1. Also called: VENTRICULAR TACHYCARDIA, CATECHOLAMINERGIC POLYMORPHIC, 1, WITH OR WITHOUT ATRIAL DYSFUNCTION AND/OR DILATED CARDIOMYOPATHY; VENTRICULAR TACHYCARDIA, STRESS-INDUCED POLYMORPHIC 1; RYR2-Related Catecholaminergic Polymorphic Ventricular Tachycardia. Identifiers: Orphanet 3286, MedGen C1631597, MONDO:0011484, OMIM 604772.

Submission:

Labcorp Genetics (formerly Invitae), Labcorp
Classification: Uncertain significance for Catecholaminergic polymorphic ventricular tachycardia 1. Last evaluated: 2023-08-04. Review status: criteria provided, single submitter. Criteria: Invitae Variant Classification Sherloc (09022015). Collection method: clinical testing. Allele origin: germline.
Comment: In summary, the available evidence is currently insufficient to determine the role of this variant in disease. Therefore, it has been classified as a Variant of Uncertain Significance. Advanced modeling of protein sequence and biophysical properties (such as structural, functional, and spatial information, amino acid conservation, physicochemical variation, residue mobility, and thermodynamic stability) performed at Invitae indicates that this missense variant is expected to disrupt RYR2 protein function. ClinVar contains an entry for this variant (Variation ID: 959601). This variant has not been reported in the literature in individuals affected with RYR2-related conditions. This variant is not present in population databases (gnomAD no frequency). This sequence change replaces glutamic acid, which is acidic and polar, with glycine, which is neutral and non-polar, at codon 4005 of the RYR2 protein (p.Glu4005Gly).